The following is an entry in ClinVar:

NM_001166108.2(PALLD):c.407G>A (p.Ser136Asn)

Gene: PALLD (palladin, cytoskeletal associated protein; plus strand). Cytogenetic location: 4q32.3.
Variant type: single nucleotide variant.
Coding change: c.407G>A on transcript NM_001166108.2 (MANE Select); coding-DNA position 407, G replaced by A.
Protein change: p.Ser136Asn; replaces serine 136 with asparagine.
Molecular consequence: missense variant.
Genome position (GRCh38, 1-based): chr4:168,511,911, G>A. VCF-style: chr4-168511911-G-A. GRCh37 (hg19) VCF-style: chr4-169433062-G-A.
Other names: c.407G>A, p.Ser136Asn (NM_016081.4); short protein forms S136N.
Identifiers: ClinVar variation 1737614 (VCV001737614.1), dbSNP rs1412288218, ClinGen allele CA358725879.

ClinVar aggregate classification (germline): Uncertain significance (1 of 4 stars; one submission).

Conditions:
Hereditary cancer-predisposing syndrome. Also called: Neoplastic Syndromes, Hereditary; Tumor predisposition; Hereditary Cancer Syndrome; Hereditary neoplastic syndrome. Identifiers: Orphanet 140162, MedGen C0027672, MeSH D009386, MONDO:0015356.

Allele frequency attached by ClinVar (database versions not stated): gnomAD exomes below 0.00001.
gnomAD v4.1: 1 of 1,614,166 alleles (0.000062%); highest among the groups gnomAD compares: African/African-American, 0.0013%; no homozygotes.

Submission:

Ambry Genetics
Classification: Uncertain significance for Hereditary cancer-predisposing syndrome. Last evaluated: 2021-12-22. Review status: criteria provided, single submitter. Criteria: Ambry General Variant Classification Scheme_2022. Collection method: clinical testing. Allele origin: germline. Observed: 1 variant allele.
Comment: The p.S136N variant (also known as c.407G>A), located in coding exon 1 of the PALLD gene, results from a G to A substitution at nucleotide position 407. The serine at codon 136 is replaced by asparagine, an amino acid with highly similar properties. This amino acid position is conserved. In addition, this alteration is predicted to be tolerated by in silico analysis. Since supporting evidence is limited at this time, the clinical significance of this alteration remains unclear.